The following is an entry in ClinVar:

ClinVar aggregate classification (germline): Likely pathogenic (1 of 4 stars; one submission).

Conditions:
Finnish congenital nephrotic syndrome (NPHS1). Also called: NEPHROTIC SYNDROME, TYPE 1. Identifiers: Orphanet 839, MedGen C0403399, MONDO:0009732, OMIM 256300.

Submission:

Myriad Genetics, Inc.
Classification: Likely pathogenic for Finnish congenital nephrotic syndrome. Last evaluated: 2022-03-06. Review status: criteria provided, single submitter. Criteria: Myriad Women's Health Autosomal Recessive and X-Linked Classification Criteria (2021). Collection method: clinical testing. Allele origin: unknown.
Comment: NM_004646.3(NPHS1):c.94delC(R32Gfs*10) is expected to be pathogenic in the context of nephrotic syndrome, NPHS1-related. This variant is predicted to lead to an abnormal or absent protein product due to the creation of a premature termination codon in NPHS1, a gene where loss-of-function variants are known to be pathogenic. Please note: this variant was assessed in the context of healthy population screening.

NM_004646.4(NPHS1):c.94del (p.Arg32fs)

Genes: NPHS1 (NPHS1 adhesion molecule, nephrin; minus strand), KIRREL2 (kirre like nephrin family adhesion molecule 2; plus strand). Cytogenetic location: 19q13.12.
Variant type: Deletion.
Coding change: c.94del on transcript NM_004646.4 (MANE Select); coding-DNA position 94, one base deleted (C; older notation c.94delC).
Protein change: p.Arg32fs; shifts the reading frame from arginine 32.
Molecular consequence: frameshift variant.
Genome position (GRCh38, 1-based): chr19:35,851,637, G deleted on the plus strand (C on the coding strand, the reverse complement: NPHS1 is on the minus strand); the first of 4 consecutive G bases (chr19:35,851,637-35,851,640); deleting any one gives the same sequence. VCF-style (leftmost placement, unchanged base first): chr19-35851636-CG-C. GRCh37 (hg19) VCF-style: chr19-36342538-CG-C.
Other names: short protein forms R32fs.
Identifiers: ClinVar variation 1725073 (VCV001725073.2), dbSNP rs2513786321, ClinGen allele CA2580096907.